The following is an entry in ClinVar:

ClinVar aggregate classification (germline): Pathogenic/Likely pathogenic. Review status: criteria provided, multiple submitters, no conflicts (2 of 4 stars). 2 submissions from 2 submitters: Pathogenic (1); Likely pathogenic (1). Last evaluated 2025-03-16.

Conditions:
Perrault syndrome 4 (PRLTS4). Identifiers: Orphanet 2855, MedGen C3809105, MONDO:0014126, OMIM 615300.
Hydrops-lactic acidosis-sideroblastic anemia-multisystemic failure syndrome. Also called: Hydrops, lactic acidosis, and sideroblastic anemia. Identifiers: Orphanet 528091, MedGen C4310761, MONDO:0014869, OMIM 617021.

Allele frequency attached by ClinVar (database versions not stated): gnomAD exomes 0.00001; ExAC 0.00002; TOPMed 0.00002; gnomAD 0.00005.
gnomAD v4.1: 26 of 1,613,764 alleles (0.0016%); highest among the groups gnomAD compares: Middle Eastern, 0.016%; no homozygotes.

Submissions (2):

Labcorp Genetics (formerly Invitae), Labcorp
Classification: Pathogenic. Last evaluated: 2025-03-16. Review status: criteria provided, single submitter. Criteria: Invitae Variant Classification Sherloc (09022015). Collection method: clinical testing. Allele origin: germline.
Comment: This sequence change creates a premature translational stop signal (p.Arg694*) in the LARS2 gene. It is expected to result in an absent or disrupted protein product. Loss-of-function variants in LARS2 are known to be pathogenic (PMID: 23541342, 30737337). This variant is present in population databases (rs779962003, gnomAD 0.003%). This variant has not been reported in the literature in individuals affected with LARS2-related conditions. ClinVar contains an entry for this variant (Variation ID: 1928053). Algorithms developed to predict the effect of sequence changes on RNA splicing suggest that this variant may disrupt the consensus splice site. For these reasons, this variant has been classified as Pathogenic.

Juno Genomics, Hangzhou Juno Genomics, Inc
Classification: Likely pathogenic for Hydrops-lactic acidosis-sideroblastic anemia-multisystemic failure syndrome; Perrault syndrome 4. Review status: criteria provided, single submitter. Criteria: ACMG Guidelines, 2015. Collection method: clinical testing. Allele origin: germline.
Comment: Null variant in a gene where loss of function (LOF) is a known mechanism of disease.;Absent from controls (or at extremely low frequency if recessive) in Genome Aggregation Database.

Literature cited by the submitters: PubMed 23541342 (cited by Labcorp Genetics (formerly Invitae), Labcorp); PubMed 30737337 (cited by Labcorp Genetics (formerly Invitae), Labcorp).

NM_015340.4(LARS2):c.2080C>T (p.Arg694Ter)

Gene: LARS2 (leucyl-tRNA synthetase 2, mitochondrial; plus strand). Cytogenetic location: 3p21.31.
Variant type: single nucleotide variant.
Coding change: c.2080C>T on transcript NM_015340.4 (MANE Select); coding-DNA position 2080, C replaced by T.
Protein change: p.Arg694Ter; replaces arginine 694 with a stop codon.
Molecular consequence: nonsense.
Genome position (GRCh38, 1-based): chr3:45,517,938, C>T. VCF-style: chr3-45517938-C-T. GRCh37 (hg19) VCF-style: chr3-45559430-C-T.
Other names: c.2080C>T, p.Arg694Ter (NM_001368263.1); short protein forms R694*.
Identifiers: ClinVar variation 1928053 (VCV001928053.7), dbSNP rs779962003, ClinGen allele CA2349768.